The following is an entry in ClinVar:

ClinVar aggregate classification (germline): Uncertain significance (1 of 4 stars; one submission).

gnomAD v4.1: 1 of 1,613,804 alleles (0.000062%); highest among the groups gnomAD compares: Non-Finnish European, 0.000085%; no homozygotes.

Submission:

Labcorp Genetics (formerly Invitae), Labcorp
Classification: Uncertain significance. Last evaluated: 2023-06-10. Review status: criteria provided, single submitter. Criteria: Invitae Variant Classification Sherloc (09022015). Collection method: clinical testing. Allele origin: germline.
Comment: This sequence change replaces lysine, which is basic and polar, with arginine, which is basic and polar, at codon 408 of the LZTS1 protein (p.Lys408Arg). This variant is not present in population databases (gnomAD no frequency). This variant has not been reported in the literature in individuals affected with LZTS1-related conditions. Advanced modeling of protein sequence and biophysical properties (such as structural, functional, and spatial information, amino acid conservation, physicochemical variation, residue mobility, and thermodynamic stability) performed at Invitae indicates that this missense variant is not expected to disrupt LZTS1 protein function. In summary, the available evidence is currently insufficient to determine the role of this variant in disease. Therefore, it has been classified as a Variant of Uncertain Significance.

NM_021020.5(LZTS1):c.1223A>G (p.Lys408Arg)

Gene: LZTS1 (leucine zipper tumor suppressor 1; minus strand). Cytogenetic location: 8p21.3.
Variant type: single nucleotide variant.
Coding change: c.1223A>G on transcript NM_021020.5 (MANE Select); coding-DNA position 1223, A replaced by G.
Protein change: p.Lys408Arg; replaces lysine 408 with arginine.
Molecular consequence: missense variant.
Genome position (GRCh38, 1-based): chr8:20,250,290, T>C on the plus strand (A>G on the coding strand, the complement: LZTS1 is on the minus strand). VCF-style: chr8-20250290-T-C. GRCh37 (hg19) VCF-style: chr8-20107801-T-C.
Other names: c.1223A>G, p.Lys408Arg (NM_001362884.2); short protein forms K408R.
Identifiers: ClinVar variation 2707717 (VCV002707717.3), dbSNP rs2486299539, ClinGen allele CA370476581.
Genomic context (GRCh38, chr8:20,250,290, plus strand): 5'-CCCTCCAGCTTGCCCCGCGTGTCCTTCAGCTGTGCCTTGAGACCCAGGATCTCGCTAGCC[T>C]TGGCGTTCACCTCCGTCTGGGACTCCTTCAGCTGCTGCTTCAGGAGGGAGATCTCGCCTG-3'
Protein context (NP_066300.1, residues 398-418): LKESQTEVNA[Lys408Arg]ASEILGLKAQ